The following is an entry in ClinVar:

ClinVar aggregate classification (germline): Uncertain significance (1 of 4 stars; one submission).

Conditions:
Lowe syndrome (OCRL). Also called: LOWE OCULOCEREBRORENAL SYNDROME; PHOSPHATIDYLINOSITOL 4,5-BISPHOSPHATE 5-PHOSPHATASE DEFICIENCY; Oculocerebrorenal Syndrome. Identifiers: Orphanet 534, MedGen C0028860, MONDO:0010645, OMIM 309000.

Submission:

Dasa
Classification: Uncertain significance for oculocerebrorenal syndrome. Last evaluated: 2025-12-26. Review status: criteria provided, single submitter. Criteria: DASA Assertion Criteria. Collection method: clinical testing. Allele origin: germline.
Comment: NM_000276.4(OCRL):c.1439A>T (p.Asp480Val) is a missense variant that results in the substitution of aspartic acid with valine. This variant is rare in population databases. Computational prediction algorithms are consistent with a deleterious effect. The currently available literature and clinical evidence are not sufficient to establish a definitive association between this variant and the reported condition. Therefore, this variant is classified as a variant of uncertain significance.

NM_000276.4(OCRL):c.1439A>T (p.Asp480Val)

Gene: OCRL (OCRL inositol polyphosphate-5-phosphatase; plus strand). Cytogenetic location: Xq26.1.
Variant type: single nucleotide variant.
Coding change: c.1439A>T on transcript NM_000276.4 (MANE Select); coding-DNA position 1439, A replaced by T.
Protein change: p.Asp480Val; replaces aspartic acid 480 with valine.
Molecular consequence: missense variant.
Genome position (GRCh38, 1-based): chrX:129,567,336, A>T. VCF-style: chrX-129567336-A-T. GRCh37 (hg19) VCF-style: chrX-128701313-A-T.
Other names: c.1442A>T, p.Asp481Val (NM_001318784.2); c.1439A>T, p.Asp480Val (NM_001587.4); short protein forms D480V, D481V.
Identifiers: ClinVar variation 4882424 (VCV004882424.2).